The following is an entry in ClinVar:

NM_024675.4(PALB2):c.1046_1047insG (p.Asn349fs)

Gene: PALB2 (partner and localizer of BRCA2; minus strand). Cytogenetic location: 16p12.2.
Variant type: Insertion.
Coding change: c.1046_1047insG on transcript NM_024675.4 (MANE Select); coding-DNA positions 1046 to 1047, G inserted.
Protein change: p.Asn349fs; shifts the reading frame from asparagine 349.
Molecular consequence: frameshift variant. On other transcripts: intron variant (3).
Genome position: GRCh38 VCF-style: chr16-23635499-A-AC. GRCh37 (hg19) VCF-style: chr16-23646820-A-AC.
Other names: c.986_987insG, p.Asn329fs (NM_001407296.1); c.1046_1047insG, p.Asn349fs (NM_001407297.1, NM_001407298.1, NM_001407299.1 and 3 more transcripts); c.161_162insG, p.Asn54fs (NM_001407304.1, NM_001407305.1, NM_001407306.1 and 5 more transcripts); c.48+5610_48+5611insG (NM_001407314.1); c.-104-5031_-104-5030insG (NM_001407313.1, NM_001407312.1); short protein forms N329fs, N349fs, N54fs.
Identifiers: ClinVar variation 3379230 (VCV003379230.2).

ClinVar aggregate classification (germline): Pathogenic. Review status: criteria provided, multiple submitters, no conflicts (2 of 4 stars). 2 submissions from 2 submitters: Pathogenic (2). Last evaluated 2025-05-01.

Conditions:
Hereditary cancer-predisposing syndrome. Also called: Neoplastic Syndromes, Hereditary; Tumor predisposition; Hereditary Cancer Syndrome; Hereditary neoplastic syndrome. Identifiers: Orphanet 140162, MedGen C0027672, MeSH D009386, MONDO:0015356.
Familial cancer of breast. Also called: hereditary breast carcinoma; Hereditary breast cancer; BREAST CANCER, FAMILIAL. Identifiers: Orphanet 227535, MedGen C0346153, MONDO:0016419, OMIM 114480. Disease mechanism: loss of function.

Submissions (2):

Ambry Genetics
Classification: Pathogenic for Hereditary cancer-predisposing syndrome. Last evaluated: 2025-05-01. Review status: criteria provided, single submitter. Criteria: Ambry Variant Classification Scheme 2023. Collection method: clinical testing. Allele origin: germline.
Comment: The c.1046_1047insG pathogenic mutation, located in coding exon 4 of the PALB2 gene, results from an insertion of one nucleotide at position 1046, causing a translational frameshift with a predicted alternate stop codon (p.N349Kfs*12). This variant is considered to be rare based on population cohorts in the Genome Aggregation Database (gnomAD). This alteration is expected to result in loss of function by premature protein truncation or nonsense-mediated mRNA decay. As such, this alteration is interpreted as a disease-causing mutation.

Myriad Genetics, Inc.
Classification: Pathogenic for Familial cancer of breast. Last evaluated: 2024-07-01. Review status: criteria provided, single submitter. Criteria: Myriad Autosomal Dominant, Autosomal Recessive and X-Linked Classification Criteria (2023). Collection method: clinical testing. Allele origin: unknown.
Comment: This variant is considered pathogenic. This variant creates a frameshift predicted to result in premature protein truncation.